The following is an entry in ClinVar:

ClinVar aggregate classification (germline): Likely benign. Review status: criteria provided, multiple submitters, no conflicts (2 of 4 stars). 8 submissions from 8 submitters: Likely benign (8). Last evaluated 2026-01-07.

Conditions:
Cardiovascular phenotype. Identifiers: MedGen CN230736.
Cardiomyopathy (CMYO). Also called: Cardiomyopathies. Identifiers: Orphanet 167848, MedGen C0878544, MONDO:0004994, HP:0001638. Inheritance: Various modes of inheritance.
DSP-related disorder. Also called: DSP-related condition; DSP-related disorders.
Arrhythmogenic right ventricular dysplasia 8 (ARVD8). Also called: Arrhythmogenic Right Ventricular Dysplasia/Cardiomyopathy 8; ARRHYTHMOGENIC RIGHT VENTRICULAR CARDIOMYOPATHY 8; ARRHYTHMOGENIC RIGHT VENTRICULAR DYSPLASIA, FAMILIAL, 8. Identifiers: MedGen C1843896, MONDO:0011831, OMIM 607450.
Arrhythmogenic cardiomyopathy with wooly hair and keratoderma. Also called: Dilated cardiomyopathy with woolly hair and keratoderma; PALMOPLANTAR KERATODERMA WITH LEFT VENTRICULAR CARDIOMYOPATHY AND WOOLLY HAIR; Carvajal syndrome; Arrhythmogenic cardiomyopathy with woolly hair and keratoderma. Identifiers: Orphanet 65282, MedGen C1854063, MONDO:0011581, OMIM 605676.

Allele frequency attached by ClinVar (database versions not stated): gnomAD exomes 0.00005; ExAC 0.00007; gnomAD 0.00022 and 0.00025; TOPMed 0.00026; ESP Exome Variant Server 0.00038.
gnomAD v4.1: 72 of 1,613,956 alleles (0.0045%); highest among the groups gnomAD compares: African/African-American, 0.089%; no homozygotes.

Submissions (8):

Labcorp Genetics (formerly Invitae), Labcorp
Classification: Likely benign for Arrhythmogenic cardiomyopathy with wooly hair and keratoderma; Arrhythmogenic right ventricular dysplasia 8. Last evaluated: 2026-01-07. Review status: criteria provided, single submitter. Criteria: Invitae Variant Classification Sherloc (09022015). Collection method: clinical testing. Allele origin: germline.

PreventionGenetics, part of Exact Sciences
Classification: Likely benign for DSP-related condition. Last evaluated: 2025-06-13. Review status: criteria provided, single submitter. Criteria: ACMG Guidelines, 2015. Collection method: clinical testing. Allele origin: germline.
Comment: This variant is classified as likely benign based on ACMG/AMP sequence variant interpretation guidelines (Richards et al. 2015 PMID: 25741868, with internal and published modifications).

ARUP Laboratories, Molecular Genetics and Genomics, ARUP Laboratories
Classification: Likely benign. Last evaluated: 2025-04-02. Review status: criteria provided, single submitter. Criteria: ARUP Molecular Germline Variant Investigation Process 2024. Collection method: clinical testing. Allele origin: germline.

Mayo Clinic Laboratories, Mayo Clinic
Classification: Likely benign. Last evaluated: 2024-12-10. Review status: criteria provided, single submitter. Criteria: ACMG Guidelines, 2015. Collection method: clinical testing. Allele origin: germline. Observed: 1 variant allele.
Comment: BS1, BP4, BP7

CHEO Genetics Diagnostic Laboratory, Children's Hospital of Eastern Ontario
Classification: Likely benign for Cardiomyopathy. Last evaluated: 2022-07-26. Review status: criteria provided, single submitter. Criteria: ACMG Guidelines, 2015. Collection method: clinical testing. Allele origin: germline. Study: Canadian Open Genetics Repository.

GeneDx
Classification: Likely benign. Last evaluated: 2021-11-02. Review status: criteria provided, single submitter. Criteria: GeneDx Variant Classification Process June 2021. Collection method: clinical testing. Allele origin: germline. Affected: yes.

Color Diagnostics, LLC DBA Color Health
Classification: Likely benign for Cardiomyopathy. Last evaluated: 2019-05-04. Review status: criteria provided, single submitter. Criteria: ACMG Guidelines, 2015. Collection method: clinical testing. Allele origin: germline.

Ambry Genetics
Classification: Likely benign for Cardiovascular phenotype. Last evaluated: 2019-05-01. Review status: criteria provided, single submitter. Criteria: Ambry Variant Classification Scheme 2023. Collection method: clinical testing. Allele origin: germline.

NM_004415.4(DSP):c.7848G>A (p.Ser2616=)

Gene: DSP (desmoplakin; plus strand). Cytogenetic location: 6p24.3.
Variant type: single nucleotide variant.
Coding change: c.7848G>A on transcript NM_004415.4 (MANE Select); coding-DNA position 7848, G replaced by A.
Protein change: p.Ser2616=; no amino-acid change (serine 2616 retained).
Molecular consequence: synonymous variant.
Genome position (GRCh38, 1-based): chr6:7,585,110, G>A. VCF-style: chr6-7585110-G-A. GRCh37 (hg19) VCF-style: chr6-7585343-G-A.
Other names: p.Ser2616=; c.7848G>A (LRG_423t1, NM_004415.3); c.6051G>A, p.Ser2017= (NM_001008844.3); c.6519G>A, p.Ser2173= (NM_001319034.2).
Identifiers: ClinVar variation 626495 (VCV000626495.26), dbSNP rs148798300, ClinGen allele CA050967.
Genomic context (GRCh38, chr6:7,585,110, plus strand): 5'-ATCCAGCGTCAGGAATTTAACCATAAGGAGCAGCTCTTTTTCAGACACCCTGGAAGAATC[G>A]AGCCCCATTGCAGCCATCTTTGACACAGAAAACCTGGAGAAAATCTCCATTACAGAAGGT-3'
Protein context (NP_004406.2, residues 2606-2626): SSSFSDTLEE[Ser2616=]SPIAAIFDTE